The following is an entry in ClinVar:

NM_006766.5(KAT6A):c.553C>G (p.Leu185Val)

Gene: KAT6A (lysine acetyltransferase 6A; minus strand). Cytogenetic location: 8p11.21.
Variant type: single nucleotide variant.
Coding change: c.553C>G on transcript NM_006766.5 (MANE Select); coding-DNA position 553, C replaced by G.
Protein change: p.Leu185Val; replaces leucine 185 with valine.
Molecular consequence: missense variant.
Genome position (GRCh38, 1-based): chr8:42,048,425, G>C on the plus strand (C>G on the coding strand, the complement: KAT6A is on the minus strand). VCF-style: chr8-42048425-G-C. GRCh37 (hg19) VCF-style: chr8-41905943-G-C.
Other names: c.553C>G, p.Leu185Val (NM_001305878.2); short protein forms L185V.
Identifiers: ClinVar variation 1748184 (VCV001748184.9), dbSNP rs1428954859, ClinGen allele CA371174429.

ClinVar aggregate classification (germline): Likely benign. Review status: criteria provided, multiple submitters, no conflicts (2 of 4 stars). 3 submissions from 3 submitters: Likely benign (3). Last evaluated 2025-08-27.

Conditions:
Inborn genetic diseases. Identifiers: MedGen C0950123, MeSH D030342.

Allele frequency attached by ClinVar (database versions not stated): TOPMed below 0.00001; gnomAD exomes 0.00002.
gnomAD v4.1: 26 of 1,613,962 alleles (0.0016%); highest among the groups gnomAD compares: Non-Finnish European, 0.002%; no homozygotes.

Submissions (3):

Labcorp Genetics (formerly Invitae), Labcorp
Classification: Likely benign. Last evaluated: 2025-08-27. Review status: criteria provided, single submitter. Criteria: Invitae Variant Classification Sherloc (09022015). Collection method: clinical testing. Allele origin: germline.

Ambry Genetics
Classification: Likely benign for Inborn genetic diseases. Last evaluated: 2025-02-01. Review status: criteria provided, single submitter. Criteria: Ambry Variant Classification Scheme 2023. Collection method: clinical testing. Allele origin: germline.

GeneDx
Classification: Likely benign. Last evaluated: 2023-04-06. Review status: criteria provided, single submitter. Criteria: GeneDx Variant Classification Process June 2021. Collection method: clinical testing. Allele origin: germline. Affected: yes.
Comment: See Variant Classification Assertion Criteria.